The following is an entry in ClinVar:

ClinVar aggregate classification (germline): Benign (1 of 4 stars; one submission).

Conditions:
Huntington disease (HD). Also called: Huntington's chorea; Huntington's disease; HUNTINGTON CHOREA. Identifiers: Orphanet 248111, Orphanet 399, MedGen C0020179, MONDO:0007739, OMIM 143100.

Submission:

Department Of Human Genetics, Institute Of Clinical And Translational Research, Biomedical Research Center, Slovak Academy Of Sciences
Classification: Benign for Huntington disease. Last evaluated: 2026-09-23. Review status: criteria provided, single submitter. Criteria: ACMG Guidelines for Huntington disease, 2014. Collection method: research. Allele origin: germline. Inheritance: Autosomal dominant inheritance.
Comment: The NC_000004.12.g.3074878_3074940AGC[19]AAC[1]AGC[1] allele represents a complex trinucleotide repeat sequence in the HTT (huntingtin) gene. The repeat tract consists of 19 consecutive AGC repeats, followed by one AAC repeat and one additional AGC repeat. This sequence corresponds to 19 uninterrupted glutamine-encoding units or 21 interrupted glutamine-encoding repeat units (this count the AAC interruption and the additional AGC to the total number of repeats on the DNA level, while all resulting in glutamine residues at the protein level). Huntington disease (HD) is an autosomal dominant neurodegenerative disorder caused by an expansion of the CAG trinucleotide repeat in exon 1 of the HTT gene. HTT alleles containing 26 or fewer CAG repeats are considered within the normal range, whereas alleles containing 27–35 repeats are classified as intermediate/premutation, 36-39 repeats as reduced-penetrance pathogenic alleles, and 40 or more repeats as full-penetrance pathogenic alleles. This allele falls into the benign range both when considering the 19 uninterrupted as well as the 21 interrupted glutamine-encoding repeats. The allele reached 6.08% frequency in the general population of Slovakia (in 609 genotyped alleles).

NM_001388492.1(HTT):c.54GCA[21] (p.Gln38_Pro39insGlnGln)

Genes: HTT (huntingtin; plus strand), LOC109461479 (huntingtin repeat instability region; plus strand), LOC129929027 (ATAC-STARR-seq lymphoblastoid silent region 15199; plus strand). Cytogenetic location: 4p16.3.
Variant type: Variation.
Coding change: c.54GCA[21] on transcript NM_001388492.1 (MANE Select); 21 copies in a row of the 3-base unit GCA starting at c.54.
Protein change: p.Gln38_Pro39insGlnGln.
Molecular consequence: inframe insertion. On other transcripts: no sequence alteration (1).
Genome position: GRCh38: chr4:3,074,878-3,074,940. GRCh37 (hg19): chr4:3,076,605-3,076,667.
Other names: c.59_121=, p.Gln20_Pro41= (NM_002111.8).
Identifiers: ClinVar variation 5042748 (VCV005042748.1).